The following is an entry in ClinVar:

ClinVar aggregate classification (germline): Benign/Likely benign. Review status: criteria provided, multiple submitters, no conflicts (2 of 4 stars). 3 submissions from 3 submitters: Benign (1); Likely benign (2). Last evaluated 2026-04-28.

Conditions:
Colorectal cancer, hereditary nonpolyposis, type 7. Identifiers: Orphanet 144, MedGen C1858380, MONDO:0013725, OMIM 614385.

Allele frequency attached by ClinVar (database versions not stated): ESP Exome Variant Server 0.00008; gnomAD exomes 0.00001; TOPMed 0.00001.

Submissions (3):

Myriad Genetics, Inc.
Classification: Benign for Colorectal cancer, hereditary nonpolyposis, type 7. Last evaluated: 2026-04-28. Review status: criteria provided, single submitter. Criteria: Myriad Autosomal Dominant, Autosomal Recessive and X-Linked Classification Criteria (2023). Collection method: clinical testing. Allele origin: unknown.
Comment: This variant is considered benign. This variant is a silent/synonymous amino acid change and it is not expected to impact splicing.

Labcorp Genetics (formerly Invitae), Labcorp
Classification: Likely benign for Colorectal cancer, hereditary nonpolyposis, type 7. Last evaluated: 2025-09-10. Review status: criteria provided, single submitter. Criteria: Invitae Variant Classification Sherloc (09022015). Collection method: clinical testing. Allele origin: germline.

Ambry Genetics
Classification: Likely benign. Last evaluated: 2022-09-01. Review status: criteria provided, single submitter. Criteria: Ambry Variant Classification Scheme 2023. Collection method: clinical testing. Allele origin: germline.

NM_001040108.2(MLH3):c.243A>G (p.Val81=)

Gene: MLH3 (mutL homolog 3; minus strand). Cytogenetic location: 14q24.3.
Variant type: single nucleotide variant.
Coding change: c.243A>G on transcript NM_001040108.2 (MANE Select); coding-DNA position 243, A replaced by G.
Protein change: p.Val81=; no amino-acid change (valine 81 retained).
Molecular consequence: synonymous variant.
Genome position (GRCh38, 1-based): chr14:75,049,413, T>C on the plus strand (A>G on the coding strand, the complement: MLH3 is on the minus strand). VCF-style: chr14-75049413-T-C. GRCh37 (hg19) VCF-style: chr14-75516116-T-C.
Other names: c.243A>G, p.Val81= (NM_014381.3).
Identifiers: ClinVar variation 1791281 (VCV001791281.4), dbSNP rs376062129, ClinGen allele CA263654000.